The following is an entry in ClinVar:

NM_003904.5(ZPR1):c.490C>T (p.Arg164Ter)

Gene: ZPR1 (ZPR1 zinc finger; minus strand). Cytogenetic location: 11q23.3.
Variant type: single nucleotide variant.
Coding change: c.490C>T on transcript NM_003904.5 (MANE Select); coding-DNA position 490, C replaced by T.
Protein change: p.Arg164Ter; replaces arginine 164 with a stop codon.
Molecular consequence: nonsense.
Genome position (GRCh38, 1-based): chr11:116,786,516, G>A on the plus strand (C>T on the coding strand, the complement: ZPR1 is on the minus strand). VCF-style: chr11-116786516-G-A. GRCh37 (hg19) VCF-style: chr11-116657232-G-A.
Other names: c.328C>T, p.Arg110Ter (NM_001317086.2); short protein forms R110*, R164*.
Identifiers: ClinVar variation 4537088 (VCV004537088.1).

ClinVar aggregate classification (germline): Uncertain significance (1 of 4 stars; one submission).

Submission:

Women's Health and Genetics/Laboratory Corporation of America, LabCorp
Classification: Uncertain significance. Last evaluated: 2025-11-04. Review status: criteria provided, single submitter. Criteria: LabCorp Variant Classification Summary - May 2015. Collection method: clinical testing. Allele origin: germline.
Comment: Variant summary: ZPR1 c.490C>T (p.Arg164X) results in a premature termination codon, predicted to cause absence of the protein due to nonsense mediated decay, however current evidence is not sufficient to establish loss of function as a mechanism for disease. The variant allele was found at a frequency of 1.2e-05 in 251386 control chromosomes. The available data on variant occurrences in the general population are insufficient to allow any conclusion about variant significance. c.490C>T has been observed at a heterozygous state in individual(s) from a cohort of hypoalphalipoproteinemia (Dong_2022). These report(s) do not provide unequivocal conclusions about association of the variant with Growth Restriction, Hypoplastic Kidneys, Alopecia, And Distinctive Facies. To our knowledge, no experimental evidence demonstrating an impact on protein function has been reported. The following publication has been ascertained in the context of this evaluation (PMID: 35460704). No submitters have cited clinical-significance assessments for this variant to ClinVar. Based on the evidence outlined above, the variant was classified as uncertain significance.

Literature cited by the submitters: PubMed 35460704.